The following is an entry in ClinVar:

NM_032590.5(KDM2B):c.806A>G (p.His269Arg)

Gene: KDM2B (lysine demethylase 2B; minus strand). Cytogenetic location: 12q24.31.
Variant type: single nucleotide variant.
Coding change: c.806A>G on transcript NM_032590.5 (MANE Select); coding-DNA position 806, A replaced by G.
Protein change: p.His269Arg; replaces histidine 269 with arginine.
Molecular consequence: missense variant.
Genome position (GRCh38, 1-based): chr12:121,532,931, T>C on the plus strand (A>G on the coding strand, the complement: KDM2B is on the minus strand). VCF-style: chr12-121532931-T-C. GRCh37 (hg19) VCF-style: chr12-121970836-T-C.
Other names: c.713A>G, p.His238Arg (NM_001005366.2); short protein forms H238R, H269R.
Identifiers: ClinVar variation 3360282 (VCV003360282.1).

ClinVar aggregate classification (germline): Uncertain significance (1 of 4 stars; one submission).

Submission:

GeneDx
Classification: Uncertain significance. Last evaluated: 2023-06-21. Review status: criteria provided, single submitter. Criteria: GeneDx Variant Classification Process June 2021. Collection method: clinical testing. Allele origin: germline. Affected: yes.
Comment: Not observed at significant frequency in large population cohorts (gnomAD); In silico analysis supports that this missense variant does not alter protein structure/function; Has not been previously published as pathogenic or benign to our knowledge